The following is an entry in ClinVar:

NM_006372.5(SYNCRIP):c.625A>G (p.Thr209Ala)

Gene: SYNCRIP (synaptotagmin binding cytoplasmic RNA interacting protein; minus strand). Cytogenetic location: 6q14.3.
Variant type: single nucleotide variant.
Coding change: c.625A>G on transcript NM_006372.5 (MANE Select); coding-DNA position 625, A replaced by G.
Protein change: p.Thr209Ala; replaces threonine 209 with alanine.
Molecular consequence: missense variant.
Genome position (GRCh38, 1-based): chr6:85,637,008, T>C on the plus strand (A>G on the coding strand, the complement: SYNCRIP is on the minus strand). VCF-style: chr6-85637008-T-C. GRCh37 (hg19) VCF-style: chr6-86346726-T-C.
Other names: c.331A>G, p.Thr111Ala (NM_001159673.2, NM_001410938.1); c.625A>G, p.Thr209Ala (NM_001159674.2, NM_001159675.2, NM_001159676.2 and 1 more transcripts); c.169A>G, p.Thr57Ala (NM_001253771.2); short protein forms T111A, T209A, T57A.
Identifiers: ClinVar variation 3366094 (VCV003366094.1).

ClinVar aggregate classification (germline): Uncertain significance (1 of 4 stars; one submission).

Submission:

GeneDx
Classification: Uncertain significance. Last evaluated: 2023-10-19. Review status: criteria provided, single submitter. Criteria: GeneDx Variant Classification Process June 2021. Collection method: clinical testing. Allele origin: germline. Affected: yes.
Comment: Not observed at significant frequency in large population cohorts (gnomAD); In silico analysis supports that this missense variant has a deleterious effect on protein structure/function; Has not been previously published as pathogenic or benign to our knowledge